The following is an entry in ClinVar:

NM_001458.5(FLNC):c.7780+1G>T

Genes: FLNC (filamin C; plus strand), FLNC-AS1 (FLNC antisense RNA 1; minus strand). Cytogenetic location: 7q32.1.
Variant type: single nucleotide variant.
Coding change: c.7780+1G>T on transcript NM_001458.5 (MANE Select); the canonical splice donor site of the intron after coding-DNA position 7780, G replaced by T.
Molecular consequence: splice donor variant.
Genome position (GRCh38, 1-based): chr7:128,857,337, G>T. VCF-style: chr7-128857337-G-T. GRCh37 (hg19) VCF-style: chr7-128497391-G-T.
Other names: c.7681+1G>T (NM_001127487.2).
Identifiers: ClinVar variation 2582574 (VCV002582574.4), dbSNP rs1563005607, ClinGen allele CA369219988.

ClinVar aggregate classification (germline): Conflicting classifications of pathogenicity. Review status: criteria provided, conflicting classifications (1 of 4 stars). 4 submissions from 2 submitters: Likely pathogenic (1); Uncertain significance (3). Last evaluated 2024-03-30.

Conditions:
Myofibrillar myopathy 5. Also called: FILAMINOPATHY, AUTOSOMAL DOMINANT; Filaminopathy (type). Identifiers: Orphanet 171445, MedGen C1836050, MONDO:0012289, OMIM 609524.
Distal myopathy with posterior leg and anterior hand involvement. Also called: WILLIAMS DISTAL MYOPATHY. Identifiers: Orphanet 63273, MedGen C3279722, MONDO:0013550, OMIM 614065.
Hypertrophic cardiomyopathy 26. Also called: Cardiomyopathy, familial hypertrophic, 26. Identifiers: Orphanet 75249, MedGen C4310749, MONDO:0014883, OMIM 617047.

Submissions (4):

Labcorp Genetics (formerly Invitae), Labcorp
Classification: Likely pathogenic for Distal myopathy with posterior leg and anterior hand involvement; Myofibrillar myopathy 5; Hypertrophic cardiomyopathy 26. Last evaluated: 2024-03-30. Review status: criteria provided, single submitter. Criteria: Invitae Variant Classification Sherloc (09022015). Collection method: clinical testing. Allele origin: germline.
Comment: This sequence change affects a donor splice site in intron 46 of the FLNC gene. It is expected to disrupt RNA splicing. Variants that disrupt the donor or acceptor splice site typically lead to a loss of protein function (PMID: 16199547), and loss-of-function variants in FLNC are known to be pathogenic (PMID: 27908349). This variant is not present in population databases (gnomAD no frequency). This variant has not been reported in the literature in individuals affected with FLNC-related conditions. ClinVar contains an entry for this variant (Variation ID: 2582574). Algorithms developed to predict the effect of sequence changes on RNA splicing suggest that this variant may disrupt the consensus splice site. In summary, the currently available evidence indicates that the variant is pathogenic, but additional data are needed to prove that conclusively. Therefore, this variant has been classified as Likely Pathogenic.

Baylor Genetics
Classification: Uncertain significance for Distal myopathy with posterior leg and anterior hand involvement. Last evaluated: 2023-03-03. Review status: criteria provided, single submitter. Criteria: ACMG Guidelines, 2015. Collection method: clinical testing. Allele origin: unknown.

Baylor Genetics
Classification: Uncertain significance for Hypertrophic cardiomyopathy 26. Last evaluated: 2023-03-03. Review status: criteria provided, single submitter. Criteria: ACMG Guidelines, 2015. Collection method: clinical testing. Allele origin: unknown.

Baylor Genetics
Classification: Uncertain significance for Myofibrillar myopathy 5. Last evaluated: 2023-03-03. Review status: criteria provided, single submitter. Criteria: ACMG Guidelines, 2015. Collection method: clinical testing. Allele origin: unknown.

Literature cited by the submitters: PubMed 16199547 (cited by Labcorp Genetics (formerly Invitae), Labcorp); PubMed 27908349 (cited by Labcorp Genetics (formerly Invitae), Labcorp).